The following is an entry in ClinVar:

NM_206933.4(USH2A):c.13840A>G (p.Thr4614Ala)

Gene: USH2A (usherin; minus strand). Cytogenetic location: 1q41.
Variant type: single nucleotide variant.
Coding change: c.13840A>G on transcript NM_206933.4 (MANE Select); coding-DNA position 13840, A replaced by G.
Protein change: p.Thr4614Ala; replaces threonine 4614 with alanine.
Molecular consequence: missense variant.
Genome position (GRCh38, 1-based): chr1:215,671,265, T>C on the plus strand (A>G on the coding strand, the complement: USH2A is on the minus strand). VCF-style: chr1-215671265-T-C. GRCh37 (hg19) VCF-style: chr1-215844607-T-C.
Other names: short protein forms T4614A.
Identifiers: ClinVar variation 4778818 (VCV004778818.1).
Genomic context (GRCh38, chr1:215,671,265, plus strand): 5'-TCAAAGGTGCAATCTCAGGGGTCTGTATGAATGTCCAGTCACTTGATGCACATCCCAGGG[T>C]GGTGCACGCTTGAATTCGTATTTCATACCTTCAGGACATAAGGCAGAAATTAGTGATTTT-3'
Protein context (NP_996816.3, residues 4604-4624): RYEIRIQACT[Thr4614Ala]LGCASSDWTF

ClinVar aggregate classification (germline): Uncertain significance (1 of 4 stars; one submission).

gnomAD v4.1: 1 of 1,613,952 alleles (0.000062%); highest among the groups gnomAD compares: Non-Finnish European, 0.000085%; no homozygotes.

Submission:

Labcorp Genetics (formerly Invitae), Labcorp
Classification: Uncertain significance. Last evaluated: 2025-04-08. Review status: criteria provided, single submitter. Criteria: Invitae Variant Classification Sherloc (09022015). Collection method: clinical testing. Allele origin: germline.
Comment: This sequence change replaces threonine, which is neutral and polar, with alanine, which is neutral and non-polar, at codon 4614 of the USH2A protein (p.Thr4614Ala). This variant is not present in population databases (gnomAD no frequency). This variant has not been reported in the literature in individuals affected with USH2A-related conditions. Invitae Evidence Modeling of protein sequence and biophysical properties (such as structural, functional, and spatial information, amino acid conservation, physicochemical variation, residue mobility, and thermodynamic stability) indicates that this missense variant is not expected to disrupt USH2A protein function with a negative predictive value of 95%. In summary, the available evidence is currently insufficient to determine the role of this variant in disease. Therefore, it has been classified as a Variant of Uncertain Significance.